The following is an entry in ClinVar:

NM_006206.6(PDGFRA):c.3222T>C (p.Asp1074=)

Gene: PDGFRA (platelet derived growth factor receptor alpha; plus strand). Cytogenetic location: 4q12.
Variant type: single nucleotide variant.
Coding change: c.3222T>C on transcript NM_006206.6 (MANE Select); coding-DNA position 3222, T replaced by C.
Protein change: p.Asp1074=; no amino-acid change (aspartic acid 1074 retained).
Molecular consequence: synonymous variant.
Genome position (GRCh38, 1-based): chr4:54,295,224, T>C. VCF-style: chr4-54295224-T-C. GRCh37 (hg19) VCF-style: chr4-55161391-T-C.
Other names: c.3297T>C, p.Asp1099= (NM_001347828.2); c.3222T>C, p.Asp1074= (NM_001347829.2); c.3261T>C, p.Asp1087= (NM_001347830.2).
Identifiers: ClinVar variation 259953 (VCV000259953.24), dbSNP rs7685117, ClinGen allele CA2923064.

ClinVar aggregate classification (germline): Benign. Review status: criteria provided, multiple submitters, no conflicts (2 of 4 stars). 9 submissions from 8 submitters: Benign (9). Last evaluated 2026-06-18.

Conditions:
Polyps, multiple and recurrent inflammatory fibroid, gastrointestinal. Identifiers: MedGen C5193005, MONDO:0008285, OMIM 175510.
Idiopathic hypereosinophilic syndrome (HES). Identifiers: Orphanet 3260, MedGen C0206141, MONDO:0011895, OMIM 607685. Disease mechanism: gain of function.
Gastrointestinal stromal tumor. Also called: Gastrointestinal stroma tumor; Gastrointestinal stromal tumor, somatic. Identifiers: Orphanet 44890, MedGen C0238198, MeSH D046152, MONDO:0011719, OMIM 606764, HP:0100723.
Hereditary cancer-predisposing syndrome. Also called: Tumor predisposition; Hereditary neoplastic syndrome; Hereditary Cancer Syndrome; Neoplastic Syndromes, Hereditary. Identifiers: Orphanet 140162, MedGen C0027672, MeSH D009386, MONDO:0015356.

Allele frequency attached by ClinVar (database versions not stated): 1000 Genomes Project 30x 0.99656; ESP Exome Variant Server 0.99677; TOPMed 0.99688; gnomAD 0.99715 and 0.99735; 1000 Genomes Project 0.99720; ExAC 0.99899; gnomAD exomes 0.99924 and 0.99973.
gnomAD v4.1: 1,613,245 of 1,614,054 alleles (100%); highest among the groups gnomAD compares: Non-Finnish European, 100%; 806,221 homozygotes.

Submissions (9):

Myriad Genetics, Inc.
Classification: Benign for Polyps, multiple and recurrent inflammatory fibroid, gastrointestinal. Last evaluated: 2026-06-18. Review status: criteria provided, single submitter. Criteria: Myriad Autosomal Dominant, Autosomal Recessive and X-Linked Classification Criteria (2023). Collection method: clinical testing. Allele origin: unknown.
Comment: This variant is considered benign. This variant is a silent/synonymous amino acid change and it is not expected to impact splicing.

Labcorp Genetics (formerly Invitae), Labcorp
Classification: Benign for Gastrointestinal stromal tumor. Last evaluated: 2026-02-04. Review status: criteria provided, single submitter. Criteria: Invitae Variant Classification Sherloc (09022015). Collection method: clinical testing. Allele origin: germline.

Blueprint Genetics
Classification: Benign. Last evaluated: 2024-11-26. Review status: criteria provided, single submitter. Criteria: ACMG Guidelines, 2015. Collection method: clinical testing. Allele origin: germline.

Ambry Genetics
Classification: Benign for Hereditary cancer-predisposing syndrome. Last evaluated: 2018-09-13. Review status: criteria provided, single submitter. Criteria: Ambry Variant Classification Scheme 2023. Collection method: clinical testing. Allele origin: germline.

GeneDx
Classification: Benign. Last evaluated: 2018-06-22. Review status: criteria provided, single submitter. Criteria: GeneDx Variant Classification Process June 2021. Collection method: clinical testing. Allele origin: germline. Affected: yes.

Illumina Laboratory Services, Illumina
Classification: Benign for Gastrointestinal stromal tumor. Last evaluated: 2018-01-13. Review status: criteria provided, single submitter. Criteria: ICSL Variant Classification Criteria 13 December 2019. Collection method: clinical testing. Allele origin: germline.
Comment: This variant was observed in the ICSL laboratory as part of a predisposition screen in an ostensibly healthy population. It had not been previously curated by ICSL or reported in the Human Gene Mutation Database (HGMD: prior to June 1st, 2018), and was therefore a candidate for classification through an automated scoring system. Utilizing variant allele frequency, disease prevalence and penetrance estimates, and inheritance mode, an automated score was calculated to assess if this variant is too frequent to cause the disease. Based on the score and internal cut-off values, a variant classified as benign is not then subjected to further curation. The score for this variant resulted in a classification of benign for this disease.

Illumina Laboratory Services, Illumina
Classification: Benign for Idiopathic hypereosinophilic syndrome. Last evaluated: 2018-01-13. Review status: criteria provided, single submitter. Criteria: ICSL Variant Classification Criteria 13 December 2019. Collection method: clinical testing. Allele origin: germline.
Comment: the same text as in the submission from Illumina Laboratory Services, Illumina above.

Breakthrough Genomics
Classification: Benign. Review status: criteria provided, single submitter. Criteria: ACMG Guidelines, 2015. Collection method: not provided. Allele origin: germline. Inheritance: Autosomal dominant inheritance. Affected: yes.

PreventionGenetics, part of Exact Sciences
Classification: Benign. Review status: criteria provided, single submitter. Criteria: ACMG Guidelines, 2015. Collection method: clinical testing. Allele origin: germline.